The following is an entry in ClinVar:

ClinVar aggregate classification (germline): Uncertain significance. Review status: criteria provided, multiple submitters, no conflicts (2 of 4 stars). 2 submissions from 2 submitters: Uncertain significance (2). Last evaluated 2026-09-17.

Conditions:
Familial cold autoinflammatory syndrome 2 (FCAS2). Identifiers: Orphanet 247868, MedGen C2673198, MONDO:0012724, OMIM 611762.

Allele frequency attached by ClinVar (database versions not stated): gnomAD exomes below 0.00001; ExAC 0.00001; TOPMed 0.00001.
gnomAD v4.1: 11 of 1,614,138 alleles (0.00068%); highest among the groups gnomAD compares: East Asian, 0.0045%; no homozygotes.

Submissions (2):

GeneDx
Classification: Uncertain significance. Last evaluated: 2026-09-17. Review status: criteria provided, single submitter. Criteria: GeneDx Variant Classification Process June 2021. Collection method: clinical testing. Allele origin: germline.
Comment: Not observed at significant frequency in large population cohorts (gnomAD); In silico analysis suggests that this missense variant does not alter protein structure/function; Has not been previously published as pathogenic or benign to our knowledge

Labcorp Genetics (formerly Invitae), Labcorp
Classification: Uncertain significance for Familial cold autoinflammatory syndrome 2. Last evaluated: 2025-07-14. Review status: criteria provided, single submitter. Criteria: Invitae Variant Classification Sherloc (09022015). Collection method: clinical testing. Allele origin: germline.
Comment: This sequence change replaces arginine, which is basic and polar, with glutamine, which is neutral and polar, at codon 1021 of the NLRP12 protein (p.Arg1021Gln). This variant is present in population databases (rs769192403, gnomAD 0.0009%). This variant has not been reported in the literature in individuals affected with NLRP12-related conditions. ClinVar contains an entry for this variant (Variation ID: 1397617). Experimental studies and prediction algorithms are not available or were not evaluated, and the functional significance of this variant is currently unknown. In summary, the available evidence is currently insufficient to determine the role of this variant in disease. Therefore, it has been classified as a Variant of Uncertain Significance.

NM_144687.4(NLRP12):c.3062G>A (p.Arg1021Gln)

Gene: NLRP12 (NLR family pyrin domain containing 12; minus strand). Cytogenetic location: 19q13.42.
Variant type: single nucleotide variant.
Coding change: c.3062G>A on transcript NM_144687.4 (MANE Select); coding-DNA position 3062, G replaced by A.
Protein change: p.Arg1021Gln; replaces arginine 1021 with glutamine.
Molecular consequence: missense variant.
Genome position (GRCh38, 1-based): chr19:53,795,895, C>T on the plus strand (G>A on the coding strand, the complement: NLRP12 is on the minus strand). VCF-style: chr19-53795895-C-T. GRCh37 (hg19) VCF-style: chr19-54299149-C-T.
Other names: c.3065G>A, p.Arg1022Gln (NM_001277126.2); c.2891G>A, p.Arg964Gln (NM_001277129.1); c.3062G>A (NM_144687.2); short protein forms R964Q, R1021Q, R1022Q.
Identifiers: ClinVar variation 1397617 (VCV001397617.9), dbSNP rs769192403, ClinGen allele CA9638788.